The following is an entry in ClinVar:

NM_000069.3(CACNA1S):c.4593G>A (p.Glu1531=)

Gene: CACNA1S (calcium voltage-gated channel subunit alpha1 S; minus strand). Cytogenetic location: 1q32.1.
Variant type: single nucleotide variant.
Coding change: c.4593G>A on transcript NM_000069.3 (MANE Select); coding-DNA position 4593, G replaced by A.
Protein change: p.Glu1531=; no amino-acid change (glutamic acid 1531 retained).
Molecular consequence: synonymous variant.
Genome position (GRCh38, 1-based): chr1:201,047,190, C>T on the plus strand (G>A on the coding strand, the complement: CACNA1S is on the minus strand). VCF-style: chr1-201047190-C-T. GRCh37 (hg19) VCF-style: chr1-201016318-C-T.
Identifiers: ClinVar variation 1581343 (VCV001581343.10), dbSNP rs1221360815, ClinGen allele CA422717580.

ClinVar aggregate classification (germline): Likely benign. Review status: criteria provided, multiple submitters, no conflicts (2 of 4 stars). 3 submissions from 3 submitters: Likely benign (3). Last evaluated 2023-10-06.

Conditions:
Malignant hyperthermia, susceptibility to, 5 (MHS5). Also called: CACNA1S-Related Malignant Hyperthermia Susceptibility. Identifiers: Orphanet 423, MedGen C1866077, MONDO:0011163, OMIM 601887.
Hypokalemic periodic paralysis, type 1. Also called: HypoPP; Hypokalemic Periodic Paralysis Type 1 (AD). Identifiers: Orphanet 681, MedGen C3714580, MONDO:0042979, OMIM 170400.

Allele frequency attached by ClinVar (database versions not stated): TOPMed below 0.00001; gnomAD 0.00001; gnomAD exomes 0.00001.
gnomAD v4.1: 11 of 1,614,178 alleles (0.00068%); highest among the groups gnomAD compares: African/African-American, 0.0013%; no homozygotes.

Submissions (3):

All of Us Research Program, National Institutes of Health
Classification: Likely benign for Malignant hyperthermia, susceptibility to, 5. Last evaluated: 2023-10-06. Review status: criteria provided, single submitter. Criteria: ACMG Guidelines, 2015. Collection method: clinical testing. Allele origin: germline. Inheritance: Autosomal dominant inheritance. Observed: 2 variant alleles, 2 heterozygotes.
Comment: This variant is located in the CACNA1S protein. To our knowledge, functional studies have not been reported for this variant. This variant has not been reported in individuals affected with CACNA1S-related disorders in the literature. This variant has not been identified in the general population by the Genome Aggregation Database (gnomAD). The available evidence is insufficient to determine the role of this variant in disease conclusively. Therefore, this variant is classified as a Variant of Uncertain Significance.

This study involves interpretation of variants in research participants for the purpose of population health screening. Participant phenotype was not available at the time of variant classification. Additional details can be found in publication PMID: 35346344, PMCID: PMC8962531

Color Diagnostics, LLC DBA Color Health
Classification: Likely benign for Malignant hyperthermia, susceptibility to, 5. Last evaluated: 2023-05-12. Review status: criteria provided, single submitter. Criteria: ACMG Guidelines, 2015. Collection method: clinical testing. Allele origin: germline.

Labcorp Genetics (formerly Invitae), Labcorp
Classification: Likely benign for Hypokalemic periodic paralysis, type 1; Malignant hyperthermia, susceptibility to, 5. Last evaluated: 2022-01-21. Review status: criteria provided, single submitter. Criteria: Invitae Variant Classification Sherloc (09022015). Collection method: clinical testing. Allele origin: germline.